The following is an entry in ClinVar:

ClinVar aggregate classification (germline): Uncertain significance (1 of 4 stars; one submission).

Conditions:
Deficiency of hyaluronoglucosaminidase (MPS9). Also called: HYALURONIDASE DEFICIENCY; Mucopolysaccharidosis type 9; MPS IX. Identifiers: Orphanet 67041, MedGen C1291490, MONDO:0011093, OMIM 601492.

gnomAD v4.1: 1 of 1,614,140 alleles (0.000062%); highest among the groups gnomAD compares: Admixed American, 0.0017%; no homozygotes.

Submission:

Labcorp Genetics (formerly Invitae), Labcorp
Classification: Uncertain significance for Deficiency of hyaluronoglucosaminidase. Last evaluated: 2022-07-13. Review status: criteria provided, single submitter. Criteria: Invitae Variant Classification Sherloc (09022015). Collection method: clinical testing. Allele origin: germline.
Comment: This sequence change replaces isoleucine, which is neutral and non-polar, with threonine, which is neutral and polar, at codon 128 of the HYAL1 protein (p.Ile128Thr). This variant is present in population databases (no rsID available, gnomAD 0.003%). This variant has not been reported in the literature in individuals affected with HYAL1-related conditions. Algorithms developed to predict the effect of missense changes on protein structure and function (SIFT, PolyPhen-2, Align-GVGD) all suggest that this variant is likely to be disruptive. In summary, the available evidence is currently insufficient to determine the role of this variant in disease. Therefore, it has been classified as a Variant of Uncertain Significance.

NM_033159.4(HYAL1):c.383T>C (p.Ile128Thr)

Gene: HYAL1 (hyaluronidase 1; minus strand). Cytogenetic location: 3p21.31.
Variant type: single nucleotide variant.
Coding change: c.383T>C on transcript NM_033159.4 (MANE Select); coding-DNA position 383, T replaced by C.
Protein change: p.Ile128Thr; replaces isoleucine 128 with threonine.
Molecular consequence: missense variant. On other transcripts: 5 prime UTR variant (1), non-coding transcript variant (1), intron variant (1).
Genome position (GRCh38, 1-based): chr3:50,302,574, A>G on the plus strand (T>C on the coding strand, the complement: HYAL1 is on the minus strand). VCF-style: chr3-50302574-A-G. GRCh37 (hg19) VCF-style: chr3-50340005-A-G.
Other names: c.383T>C, p.Ile128Thr (NM_007312.3, NM_153281.2, NM_153282.3); c.-164T>C (NM_153283.3); c.-26-369T>C (NM_153285.3); short protein forms I128T.
Identifiers: ClinVar variation 2418781 (VCV002418781.3), dbSNP rs1553713280, ClinGen allele CA352894671.